The following is an entry in ClinVar:

ClinVar aggregate classification (germline): Uncertain significance. Review status: criteria provided, multiple submitters, no conflicts (2 of 4 stars). 2 submissions from 2 submitters: Uncertain significance (2). Last evaluated 2024-01-13.

Conditions:
Cardiovascular phenotype. Identifiers: MedGen CN230736.

Allele frequency attached by ClinVar (database versions not stated): gnomAD exomes below 0.00001.
gnomAD v4.1: 1 of 1,613,914 alleles (0.000062%); highest among the groups gnomAD compares: Non-Finnish European, 0.000085%; no homozygotes.

Submissions (2):

Ambry Genetics
Classification: Uncertain significance for Cardiovascular phenotype. Last evaluated: 2024-01-13. Review status: criteria provided, single submitter. Criteria: Ambry Variant Classification Scheme 2023. Collection method: clinical testing. Allele origin: germline.
Comment: The p.C3636R variant (also known as c.10906T>C), located in coding exon 41 of the ANK2 gene, results from a T to C substitution at nucleotide position 10906. The cysteine at codon 3636 is replaced by arginine, an amino acid with highly dissimilar properties. This amino acid position is conserved. In addition, this alteration is predicted to be deleterious by in silico analysis. Since supporting evidence is limited at this time, the clinical significance of this alteration remains unclear.

GeneDx
Classification: Uncertain significance. Last evaluated: 2022-10-27. Review status: criteria provided, single submitter. Criteria: GeneDx Variant Classification Process June 2021. Collection method: clinical testing. Allele origin: germline. Affected: yes.
Comment: Not observed at significant frequency in large population cohorts (gnomAD); In silico analysis supports that this missense variant has a deleterious effect on protein structure/function; Has not been previously published as pathogenic or benign to our knowledge

NM_001148.6(ANK2):c.10906T>C (p.Cys3636Arg)

Gene: ANK2 (ankyrin 2; plus strand). Cytogenetic location: 4q26.
Variant type: single nucleotide variant.
Coding change: c.10906T>C on transcript NM_001148.6 (MANE Select); coding-DNA position 10906, T replaced by C.
Protein change: p.Cys3636Arg; replaces cysteine 3636 with arginine.
Molecular consequence: missense variant.
Genome position (GRCh38, 1-based): chr4:113,365,056, T>C. VCF-style: chr4-113365056-T-C. GRCh37 (hg19) VCF-style: chr4-114286212-T-C.
Other names: c.4624T>C, p.Cys1542Arg (NM_001127493.3); c.4663T>C, p.Cys1555Arg (NM_001354225.2); c.4552T>C, p.Cys1518Arg (NM_001354228.2, NM_001354258.2); c.4630T>C, p.Cys1544Arg (NM_001354230.2); c.4693T>C, p.Cys1565Arg (NM_001354231.2, NM_001354242.2); c.4687T>C, p.Cys1563Arg (NM_001354232.2); c.4648T>C, p.Cys1550Arg (NM_001354235.2, NM_001354246.2, NM_001354265.2); c.4549T>C, p.Cys1517Arg (NM_001354236.2); and 35 more; short protein forms C1390R, C1423R, C1451R, C1456R, C1464R, C1473R, C1476R, C1478R.
Identifiers: ClinVar variation 2500529 (VCV002500529.2), dbSNP rs2154052758, ClinGen allele CA357941506.